The following is an entry in ClinVar:

ClinVar aggregate classification (germline): Uncertain significance (1 of 4 stars; one submission).

Conditions:
Familial adenomatous polyposis 1 (FAP1). Also called: FAMILIAL ADENOMATOUS POLYPOSIS 1, ATTENUATED; POLYPOSIS, ADENOMATOUS INTESTINAL. Identifiers: MedGen C2713442, MONDO:0021056, OMIM 175100. Disease mechanism: loss of function.

Submission:

Labcorp Genetics (formerly Invitae), Labcorp
Classification: Uncertain significance for Familial adenomatous polyposis 1. Last evaluated: 2024-10-21. Review status: criteria provided, single submitter. Criteria: Invitae Variant Classification Sherloc (09022015). Collection method: clinical testing. Allele origin: germline.
Comment: This sequence change replaces aspartic acid, which is acidic and polar, with valine, which is neutral and non-polar, at codon 2131 of the APC protein (p.Asp2131Val). This variant is not present in population databases (gnomAD no frequency). This variant has not been reported in the literature in individuals affected with APC-related conditions. Invitae Evidence Modeling of protein sequence and biophysical properties (such as structural, functional, and spatial information, amino acid conservation, physicochemical variation, residue mobility, and thermodynamic stability) indicates that this missense variant is not expected to disrupt APC protein function with a negative predictive value of 95%. In summary, the available evidence is currently insufficient to determine the role of this variant in disease. Therefore, it has been classified as a Variant of Uncertain Significance.

NM_000038.6(APC):c.6392A>T (p.Asp2131Val)

Gene: APC (APC regulator of Wnt signaling pathway; plus strand). Cytogenetic location: 5q22.2.
Variant type: single nucleotide variant.
Coding change: c.6392A>T on transcript NM_000038.6 (MANE Select); coding-DNA position 6392, A replaced by T.
Protein change: p.Asp2131Val; replaces aspartic acid 2131 with valine.
Molecular consequence: missense variant. On other transcripts: non-coding transcript variant (2).
Genome position (GRCh38, 1-based): chr5:112,841,986, A>T. VCF-style: chr5-112841986-A-T. GRCh37 (hg19) VCF-style: chr5-112177683-A-T.
Other names: c.6392A>T, p.Asp2131Val (NM_001127510.3, NM_001354895.2, NM_001407450.1); c.6338A>T, p.Asp2113Val (NM_001127511.3); c.6446A>T, p.Asp2149Val (NM_001354896.2, NM_001407447.1, NM_001407448.1 and 1 more transcripts); c.6422A>T, p.Asp2141Val (NM_001354897.2); c.6317A>T, p.Asp2106Val (NM_001354898.2); c.6308A>T, p.Asp2103Val (NM_001354899.2); c.6269A>T, p.Asp2090Val (NM_001354900.2); c.6215A>T, p.Asp2072Val (NM_001354901.2, NM_001407453.1); and 11 more; short protein forms D1747V, D2002V, D2040V, D2072V, D2131V, D2141V, D2005V, D2048V.
Identifiers: ClinVar variation 3635502 (VCV003635502.2).